The following is an entry in ClinVar:

ClinVar aggregate classification (germline): Pathogenic/Likely pathogenic. Review status: criteria provided, multiple submitters, no conflicts (2 of 4 stars). 2 submissions from 2 submitters: Pathogenic (1); Likely pathogenic (1). Last evaluated 2024-03-26.

Conditions:
Spinocerebellar ataxia, autosomal recessive 22 (SCAR22). Identifiers: MedGen C4310781, MONDO:0014845, OMIM 616948.

Submissions (2):

Genomic Medicine Center of Excellence, King Faisal Specialist Hospital and Research Centre
Classification: Pathogenic for Spinocerebellar ataxia, autosomal recessive 22. Last evaluated: 2024-03-26. Review status: criteria provided, single submitter. Criteria: ACMG Guidelines, 2015. Collection method: clinical testing. Allele origin: germline.

Baylor Genetics
Classification: Likely pathogenic for Spinocerebellar ataxia, autosomal recessive 22. Last evaluated: 2020-06-09. Review status: criteria provided, single submitter. Criteria: ACMG Guidelines, 2015. Collection method: clinical testing. Allele origin: unknown. Affected: yes.
Comment: This variant was determined to be likely pathogenic according to ACMG Guidelines, 2015 [PMID:25741868].

NM_144992.5(VWA3B):c.1191T>G (p.Tyr397Ter)

Gene: VWA3B (von Willebrand factor A domain containing 3B; plus strand). Cytogenetic location: 2q11.2.
Variant type: single nucleotide variant.
Coding change: c.1191T>G on transcript NM_144992.5 (MANE Select); coding-DNA position 1191, T replaced by G.
Protein change: p.Tyr397Ter; replaces tyrosine 397 with a stop codon.
Molecular consequence: nonsense. On other transcripts: non-coding transcript variant (3).
Genome position (GRCh38, 1-based): chr2:98,181,092, T>G. VCF-style: chr2-98181092-T-G. GRCh37 (hg19) VCF-style: chr2-98797555-T-G.
Other names: c.162T>G, p.Tyr54Ter (NM_001345864.2); short protein forms Y397*, Y54*.
Identifiers: ClinVar variation 1030231 (VCV001030231.2), dbSNP rs546662496, ClinGen allele CA347817258.